The following is an entry in ClinVar:

ClinVar aggregate classification (germline): Pathogenic/Likely pathogenic. Review status: criteria provided, multiple submitters, no conflicts (2 of 4 stars). 13 submissions from 13 submitters: Pathogenic (9); Likely pathogenic (2). 2 of the submissions do not count toward it. Last evaluated 2025-06-18.

Conditions:
FANCC-related disorder. Also called: FANCC-related condition.
Hereditary cancer-predisposing syndrome. Also called: Tumor predisposition; Neoplastic Syndromes, Hereditary; Hereditary neoplastic syndrome; Hereditary Cancer Syndrome. Identifiers: Orphanet 140162, MedGen C0027672, MeSH D009386, MONDO:0015356.
Fanconi anemia complementation group C (FANCC). Also called: FANCONI PANCYTOPENIA, TYPE 3; FACC; Fanconi anemia, group C; FANCC-Related Fanconi Anemia. Identifiers: Orphanet 84, MedGen C3468041, MONDO:0009213, OMIM 227645.
Fanconi anemia (FA). Also called: Fanconi's anemia. Identifiers: Orphanet 84, MedGen C0015625, MeSH D005199, MONDO:0019391.

Allele frequency attached by ClinVar (database versions not stated): ExAC 0.00001; gnomAD 0.00001; gnomAD exomes 0.00001; TOPMed 0.00003.
gnomAD v4.1: 15 of 1,613,896 alleles (0.00093%); highest among the groups gnomAD compares: Non-Finnish European, 0.0013%; no homozygotes.

Submissions (13):

Labcorp Genetics (formerly Invitae), Labcorp
Classification: Likely pathogenic for Fanconi anemia. Last evaluated: 2025-06-18. Review status: criteria provided, single submitter. Criteria: Invitae Variant Classification Sherloc (09022015). Collection method: clinical testing. Allele origin: germline.
Comment: This sequence change affects an acceptor splice site in intron 8 of the FANCC gene. RNA analysis indicates that disruption of this splice site induces altered splicing and may result in an absent or altered protein product. This variant is present in population databases (rs774209201, gnomAD 0.002%). Disruption of this splice site has been observed in individual(s) with FANCC-related conditions (PMID: 17924555, 30031030). ClinVar contains an entry for this variant (Variation ID: 189053). Studies have shown that disruption of this splice site results in skipping of exon 9, and produces a non-functional protein and/or introduces a premature termination codon (PMID: 30031030). In summary, the currently available evidence indicates that the variant is pathogenic, but additional data are needed to prove that conclusively. Therefore, this variant has been classified as Likely Pathogenic.

Natera, Inc.
Classification: Pathogenic for Fanconi anemia. Last evaluated: 2025-03-17. Review status: criteria provided, single submitter. Criteria: Natera Variant Classification Schema (03/2026). Collection method: clinical testing. Allele origin: germline.
Comment: The c.844-1G>C variant in FANCC is a canonical splice acceptor site variant predicted to affect pre-mRNA splicing, which may result in an abnormal transcript and altered protein product. This variant is expected to result in nonsense mediated decay, truncation, or a dysfunctional protein product. This variant is rare in the general population with a frequency below the threshold expected for the associated phenotype(s). This variant has been observed in one or more individuals affected with the associated recessive disease, as either homozygous or compound heterozygous with a second variant (PMID: 17924555). Given the available evidence, this variant is classified as Pathogenic.

Blueprint Genetics
Classification: Likely pathogenic for FANCC-related disorders. Last evaluated: 2024-11-11. Review status: criteria provided, single submitter. Criteria: ACMG Guidelines, 2015. Collection method: clinical testing. Allele origin: germline. Affected: yes. Observed: 5 variant alleles.

Fulgent Genetics
Classification: Pathogenic for Fanconi anemia complementation group C. Last evaluated: 2024-03-27. Review status: criteria provided, single submitter. Criteria: ACMG Guidelines, 2015. Collection method: clinical testing. Allele origin: germline.

Baylor Genetics
Classification: Pathogenic for Fanconi anemia complementation group C. Last evaluated: 2024-03-14. Review status: criteria provided, single submitter. Criteria: ACMG Guidelines, 2015. Collection method: clinical testing. Allele origin: unknown.

Laboratory of Medical Genetics, National & Kapodistrian University of Athens
Classification: Pathogenic for Fanconi anemia complementation group C. Last evaluated: 2024-02-01. Review status: criteria provided, single submitter. Criteria: ACMG Guidelines, 2015. Collection method: curation. Allele origin: germline. Affected: no.

Ambry Genetics
Classification: Pathogenic for Hereditary cancer-predisposing syndrome. Last evaluated: 2023-01-12. Review status: criteria provided, single submitter. Criteria: Ambry Variant Classification Scheme 2023. Collection method: clinical testing. Allele origin: germline.
Comment: The c.844-1G>C intronic pathogenic mutation results from a G to C substitution one nucleotide upstream from coding exon 8 of the FANCC gene. This mutation was detected as compound heterozygous with other alterations in the FANCC gene in two patients with Fanconi Anemia who were diagnosed with chromosomal breakage analysis (Ameziane N et al. Hum Mutat, 2008 Jan;29:159-66). This variant has also been reported in 6/60,466 breast cancer cases and in 0/53,461 controls (Dorling et al. N Engl J Med. 2021 02;384:428-439). In silico splice site analysis predicts that this alteration will weaken the native splice acceptor site; however, direct evidence is insufficient at this time (Ambry internal data). Alterations that disrupt the canonical splice site are expected to cause aberrant splicing, resulting in an abnormal protein or a transcript that is subject to nonsense-mediated mRNA decay. Based on the supporting evidence, this alteration is interpreted as a disease-causing mutation.

Women's Health and Genetics/Laboratory Corporation of America, LabCorp
Classification: Pathogenic for Fanconi anemia complementation group C. Last evaluated: 2022-11-14. Review status: criteria provided, single submitter. Criteria: LabCorp Variant Classification Summary - May 2015. Collection method: clinical testing. Allele origin: germline.
Comment: Variant summary: FANCC c.844-1G>C is located in a canonical splice-site and is predicted to affect mRNA splicing resulting in a significantly altered protein due to either exon skipping, shortening, or inclusion of intronic material. Several computational tools predict a significant impact on normal splicing: Four predict the variant abolishes a 3 acceptor site. However, these predictions have yet to be confirmed by functional studies. The variant allele was found at a frequency of 1.2e-05 in 254372 control chromosomes (gnomAD and publication data). c.844-1G>C has been reported in the literature in individuals affected with Fanconi Anemia, pancreatic cancer or breast cancer (Ameziane_2008, Hu_2018, Fasching_2021). These data indicate that the variant is likely to be associated with disease. To our knowledge, no experimental evidence demonstrating an impact on protein function has been reported. Six ClinVar submitters (evaluation after 2014) cite the variant as pathogenic (n=5) and likely pathogenic (n=1). Based on the evidence outlined above, the variant was classified as pathogenic.

GeneDx
Classification: Pathogenic. Last evaluated: 2022-01-17. Review status: criteria provided, single submitter. Criteria: GeneDx Variant Classification Process June 2021. Collection method: clinical testing. Allele origin: germline. Affected: yes.
Comment: Canonical splice site variant predicted to result in a null allele in a gene for which loss-of-function is a known mechanism of disease; Observed in the heterozygous state in individuals with pancreatic cancer (Hu et al., 2018); Not observed at significant frequency in large population cohorts (gnomAD); Also known as IVS7-1G>C; This variant is associated with the following publications: (PMID: 25525159, 22720145, 17924555, 31589614, 33084842, 29922827)

Myriad Genetics, Inc.
Classification: Pathogenic for Fanconi anemia complementation group C. Last evaluated: 2021-11-03. Review status: criteria provided, single submitter. Criteria: Myriad Women's Health Autosomal Recessive and X-Linked Classification Criteria (2021). Collection method: clinical testing. Allele origin: unknown.
Comment: NM_000136.2(FANCC):c.844-1G>C is a canonical splice variant classified as pathogenic in the context of Fanconi anemia, FANCC-related. c.844-1G>C has been observed in cases with relevant disease (PMID: 17924555). Functional assessments of this variant are not available in the literature. c.844-1G>C has been observed in population frequency databases (gnomAD: NFE 0.002%). In summary, NM_000136.2(FANCC):c.844-1G>C is a canonical splice variant in a gene where loss of function is a known mechanism of disease, is predicted to disrupt protein function, and has been observed more frequently in cases with the relevant disease than in healthy populations. Please note: this variant was assessed in the context of healthy population screening.

Center for Pediatric Genomic Medicine, Children's Mercy Hospital and Clinics
Classification: Pathogenic. Last evaluated: 2015-09-29. Review status: criteria provided, single submitter. Criteria: ACMG Guidelines, 2015. Collection method: clinical testing. Allele origin: germline.

PreventionGenetics, part of Exact Sciences
Classification: Pathogenic for FANCC-related condition. Last evaluated: 2024-01-29. Review status: no assertion criteria provided. Collection method: clinical testing. Allele origin: germline. Not counted in ClinVar's aggregate classification.
Comment: The FANCC c.844-1G>C variant is predicted to disrupt the AG splice acceptor site and interfere with normal splicing. This canonical splice variant has been reported to be pathogenic for Fanconi anemia (Ameziane et al. 2008. PubMed ID: 17924555; Ameziane et al. 2012. PubMed ID: 22720145). This variant has also been reported in an individual with pancreatic cancer (Hu et al. 2018. PubMed ID: 29922827, eTable 3). This variant is reported in 0.0018% of alleles in individuals of European (Non-Finnish) descent in gnomAD and is interpreted as Pathogenic/Likely pathogenic in ClinVar. Variants that disrupt the consensus splice acceptor site in FANCC are expected to be pathogenic. This variant is interpreted as pathogenic.

Leiden Open Variation Database
Classification: Pathogenic for Fanconi anemia complementation group C. Last evaluated: 2020-02-28. Review status: no assertion criteria provided. Collection method: curation. Allele origin: germline. Affected: yes. Not counted in ClinVar's aggregate classification.
Comment: Curator: Arleen D. Auerbach. Submitter to LOVD: Johan de Winter.

Literature cited by the submitters: PubMed 17924555 (cited by 6 submitters); PubMed 30031030 (cited by Labcorp Genetics (formerly Invitae), Labcorp); PubMed 33471991 (cited by Ambry Genetics); PubMed 22720145 (cited by Women's Health and Genetics/Laboratory Corporation of America, LabCorp); PubMed 29922827 (cited by Women's Health and Genetics/Laboratory Corporation of America, LabCorp); PubMed 31589614 (cited by Women's Health and Genetics/Laboratory Corporation of America, LabCorp); PubMed 33050356 (cited by Women's Health and Genetics/Laboratory Corporation of America, LabCorp); PubMed 32923857 (cited by Women's Health and Genetics/Laboratory Corporation of America, LabCorp); PubMed 33780288 (cited by Women's Health and Genetics/Laboratory Corporation of America, LabCorp); PubMed 33084842 (cited by Women's Health and Genetics/Laboratory Corporation of America, LabCorp).

NM_000136.3(FANCC):c.844-1G>C

Genes: AOPEP (aminopeptidase O (putative); plus strand), FANCC (FA complementation group C; minus strand). Cytogenetic location: 9q22.32.
Variant type: single nucleotide variant.
Coding change: c.844-1G>C on transcript NM_000136.3 (MANE Select); the canonical splice acceptor site of the intron before coding-DNA position 844, G replaced by C.
Molecular consequence: splice acceptor variant.
Genome position (GRCh38, 1-based): chr9:95,126,582, C>G on the plus strand (G>C on the coding strand, the complement: FANCC is on the minus strand). VCF-style: chr9-95126582-C-G. GRCh37 (hg19) VCF-style: chr9-97888864-C-G.
Other names: c.844-1G>C (NM_001243743.2, NM_001243744.2).
Identifiers: ClinVar variation 189053 (VCV000189053.33), dbSNP rs774209201, ClinGen allele CA274324.